The following is an entry in ClinVar:

ClinVar aggregate classification (germline): Uncertain significance (1 of 4 stars; one submission).

Conditions:
Fanconi anemia (FA). Also called: Fanconi's anemia. Identifiers: Orphanet 84, MedGen C0015625, MeSH D005199, MONDO:0019391.

Allele frequency attached by ClinVar (database versions not stated): gnomAD exomes 0.00001; ExAC 0.00002.
gnomAD v4.1: 16 of 1,614,050 alleles (0.00099%); highest among the groups gnomAD compares: South Asian, 0.0066%; no homozygotes.

Submission:

Labcorp Genetics (formerly Invitae), Labcorp
Classification: Uncertain significance for Fanconi anemia. Last evaluated: 2022-08-23. Review status: criteria provided, single submitter. Criteria: Invitae Variant Classification Sherloc (09022015). Collection method: clinical testing. Allele origin: germline.
Comment: This sequence change replaces valine, which is neutral and non-polar, with methionine, which is neutral and non-polar, at codon 109 of the FANCA protein (p.Val109Met). This variant is present in population databases (rs772639206, gnomAD 0.007%). This variant has not been reported in the literature in individuals affected with FANCA-related conditions. ClinVar contains an entry for this variant (Variation ID: 1389317). Advanced modeling of protein sequence and biophysical properties (such as structural, functional, and spatial information, amino acid conservation, physicochemical variation, residue mobility, and thermodynamic stability) performed at Invitae indicates that this missense variant is not expected to disrupt FANCA protein function. In summary, the available evidence is currently insufficient to determine the role of this variant in disease. Therefore, it has been classified as a Variant of Uncertain Significance.

NM_000135.4(FANCA):c.325G>A (p.Val109Met)

Gene: FANCA (FA complementation group A; minus strand). Cytogenetic location: 16q24.3.
Variant type: single nucleotide variant.
Coding change: c.325G>A on transcript NM_000135.4 (MANE Select); coding-DNA position 325, G replaced by A.
Protein change: p.Val109Met; replaces valine 109 with methionine.
Molecular consequence: missense variant.
Genome position (GRCh38, 1-based): chr16:89,811,030, C>T on the plus strand (G>A on the coding strand, the complement: FANCA is on the minus strand). VCF-style: chr16-89811030-C-T. GRCh37 (hg19) VCF-style: chr16-89877438-C-T.
Other names: c.325G>A, p.Val109Met (NM_001018112.3, NM_001286167.3, NM_001351830.2); short protein forms V109M.
Identifiers: ClinVar variation 1389317 (VCV001389317.5), dbSNP rs772639206, ClinGen allele CA8253064.